The following is an entry in ClinVar:

NM_001375524.1(TRRAP):c.2135A>G (p.Lys712Arg)

Gene: TRRAP (transformation/transcription domain associated protein; plus strand). Cytogenetic location: 7q22.1.
Variant type: single nucleotide variant.
Coding change: c.2135A>G on transcript NM_001375524.1 (MANE Select); coding-DNA position 2135, A replaced by G.
Protein change: p.Lys712Arg; replaces lysine 712 with arginine.
Molecular consequence: missense variant.
Genome position (GRCh38, 1-based): chr7:98,912,149, A>G. VCF-style: chr7-98912149-A-G. GRCh37 (hg19) VCF-style: chr7-98509772-A-G.
Other names: c.2135A>G, p.Lys712Arg (NM_001244580.2, NM_003496.4); short protein forms K712R.
Identifiers: ClinVar variation 2692526 (VCV002692526.3), dbSNP rs1249753712, ClinGen allele CA368288661.

ClinVar aggregate classification (germline): Uncertain significance. Review status: criteria provided, multiple submitters, no conflicts (2 of 4 stars). 3 submissions from 3 submitters: Uncertain significance (3). Last evaluated 2025-06-04.

Conditions:
TRRAP-related disorder. Also called: TRRAP-related condition.
Hearing loss, autosomal dominant 75. Also called: DEAFNESS, AUTOSOMAL DOMINANT 75. Identifiers: MedGen C5394059, MONDO:0032911, OMIM 618778.
Developmental delay with or without dysmorphic facies and autism. Identifiers: MedGen C5193106, MONDO:0032760, OMIM 618454.

Allele frequency attached by ClinVar (database versions not stated): gnomAD exomes below 0.00001; gnomAD 0.00001; TOPMed 0.00001.
gnomAD v4.1: 4 of 1,614,046 alleles (0.00025%); highest among the groups gnomAD compares: African/African-American, 0.0013%; no homozygotes.

Submissions (3):

PreventionGenetics, part of Exact Sciences
Classification: Uncertain significance for TRRAP-related condition. Last evaluated: 2025-06-04. Review status: criteria provided, single submitter. Criteria: ACMG Guidelines, 2015. Collection method: clinical testing. Allele origin: germline.
Comment: The TRRAP c.2135A>G variant is predicted to result in the amino acid substitution p.Lys712Arg. To our knowledge, this variant has not been reported in the literature. This variant is reported in 0.00088% of alleles in individuals of European (Non-Finnish) descent in gnomAD. At this time, the clinical significance of this variant is uncertain due to the absence of conclusive functional and genetic evidence.

Greenwood Genetic Center Diagnostic Laboratories, Greenwood Genetic Center
Classification: Uncertain significance. Last evaluated: 2023-10-09. Review status: criteria provided, single submitter. Criteria: ACMG Guidelines, 2015. Collection method: clinical testing. Allele origin: germline. Affected: yes.
Comment: PM2, PP2

Juno Genomics, Hangzhou Juno Genomics, Inc
Classification: Uncertain significance for Hearing loss, autosomal dominant 75; Developmental delay with or without dysmorphic facies and autism. Review status: criteria provided, single submitter. Criteria: ACMG Guidelines, 2015. Collection method: clinical testing. Allele origin: germline.
Comment: Absent from controls (or at extremely low frequency if recessive) in Genome Aggregation Database.;Missense variant in a gene that has a low rate of benign missense variation.